The following is an entry in ClinVar:

NM_000551.4(VHL):c.86G>T (p.Gly29Val)

Gene: VHL (von Hippel-Lindau tumor suppressor; plus strand). Cytogenetic location: 3p25.3.
Variant type: single nucleotide variant.
Coding change: c.86G>T on transcript NM_000551.4 (MANE Select); coding-DNA position 86, G replaced by T.
Protein change: p.Gly29Val; replaces glycine 29 with valine.
Molecular consequence: missense variant. On other transcripts: non-coding transcript variant (1).
Genome position (GRCh38, 1-based): chr3:10,141,933, G>T. VCF-style: chr3-10141933-G-T. GRCh37 (hg19) VCF-style: chr3-10183617-G-T.
Other names: c.86G>T, p.Gly29Val (NM_001354723.2, NM_198156.3); short protein forms G29V.
Identifiers: ClinVar variation 3072183 (VCV003072183.1), dbSNP rs1553619321, ClinGen allele CA351747555.
Genomic context (GRCh38, chr3:10,141,933, plus strand): 5'-ACGAGGCCGAGGTAGGCGCGGAGGAGGCAGGCGTCGAAGAGTACGGCCCTGAAGAAGACG[G>T]CGGGGAGGAGTCGGGCGCCGAGGAGTCCGGCCCGGAAGAGTCCGGCCCGGAGGAACTGGG-3'
Protein context (NP_000542.1, residues 19-39): GVEEYGPEED[Gly29Val]GEESGAEESG

ClinVar aggregate classification (germline): Uncertain significance (1 of 4 stars; one submission).

Conditions:
Von Hippel-Lindau syndrome (VHLS). Also called: Von Hippel-Lindau; von Hippel–Lindau syndrome; VHL syndrome. Identifiers: Orphanet 892, MedGen C0019562, MONDO:0008667, OMIM 193300. Disease mechanism: loss of function.

Allele frequency attached by ClinVar (database versions not stated): gnomAD exomes below 0.00001.

Submission:

All of Us Research Program, National Institutes of Health
Classification: Uncertain significance for Von Hippel-Lindau syndrome. Last evaluated: 2023-06-26. Review status: criteria provided, single submitter. Criteria: ACMG Guidelines, 2015. Collection method: clinical testing. Allele origin: germline. Inheritance: Autosomal dominant inheritance. Observed: 1 variant allele, 1 heterozygote.
Comment: This missense variant replaces glycine with valine at codon 29 of the VHL protein. Computational prediction suggests that this variant may not impact protein structure and function (internally defined REVEL score threshold <= 0.5, PMID: 27666373). To our knowledge, functional studies have not been reported for this variant. This variant has not been reported in individuals affected with VHL-related disorders in the literature. This variant has not been identified in the general population by the Genome Aggregation Database (gnomAD). The available evidence is insufficient to determine the role of this variant in disease conclusively. Therefore, this variant is classified as a Variant of Uncertain Significance.

This study involves interpretation of variants in research participants for the purpose of population health screening. Participant phenotype was not available at the time of variant classification. Additional details can be found in publication PMID: 35346344, PMCID: PMC8962531